The following is an entry in ClinVar:

ClinVar aggregate classification (germline): Uncertain significance (1 of 4 stars; one submission).

Conditions:
Camptomelic dysplasia (CMPD). Also called: Campomelic Dysplasia; CMPD1/SRA1. Identifiers: Orphanet 140, MedGen C1861922, MONDO:0007251, OMIM 114290.

Submission:

Labcorp Genetics (formerly Invitae), Labcorp
Classification: Uncertain significance for Camptomelic dysplasia. Last evaluated: 2025-10-01. Review status: criteria provided, single submitter. Criteria: Invitae Variant Classification Sherloc (09022015). Collection method: clinical testing. Allele origin: germline.
Comment: This variant, c.1110_1130del, results in the deletion of 7 amino acid(s) of the SOX9 protein (p.Ala371_Pro377del), but otherwise preserves the integrity of the reading frame. This variant is not present in population databases (gnomAD no frequency). This variant has not been reported in the literature in individuals affected with SOX9-related conditions. ClinVar contains an entry for this variant (Variation ID: 2906707). Experimental studies and prediction algorithms are not available or were not evaluated, and the functional significance of this variant is currently unknown. In summary, the available evidence is currently insufficient to determine the role of this variant in disease. Therefore, it has been classified as a Variant of Uncertain Significance.

NM_000346.4(SOX9):c.1110_1130del (p.364AAPPQQP[1])

Gene: SOX9 (SRY-box transcription factor 9; plus strand). Cytogenetic location: 17q24.3.
Variant type: Deletion.
Coding change: c.1110_1130del on transcript NM_000346.4 (MANE Select); coding-DNA positions 1110 to 1130, 21 bases deleted (GGCGGCACCCCCGCAGCAGCC).
Protein change: p.364AAPPQQP[1].
Molecular consequence: inframe deletion.
Genome position (GRCh38, 1-based): chr17:72,123,967-72,123,987, GGCGGCACCCCCGCAGCAGCC deleted; deleting any 21 consecutive bases within chr17:72,123,959-72,123,987 gives the same sequence; the c. name uses the placement nearest the transcript's 3' end. VCF-style (leftmost placement, unchanged base first): chr17-72123958-ACAGCAGCCGGCGGCACCCCCG-A. GRCh37 (hg19) VCF-style: chr17-70120099-ACAGCAGCCGGCGGCACCCCCG-A.
Identifiers: ClinVar variation 2906707 (VCV002906707.3), dbSNP rs1376979073, ClinGen allele CA627589967.